The following is an entry in ClinVar:

NM_020320.5(RARS2):c.1660C>A (p.His554Asn)

Gene: RARS2 (arginyl-tRNA synthetase 2, mitochondrial; minus strand). Cytogenetic location: 6q15.
Variant type: single nucleotide variant.
Coding change: c.1660C>A on transcript NM_020320.5 (MANE Select); coding-DNA position 1660, C replaced by A.
Protein change: p.His554Asn; replaces histidine 554 with asparagine.
Molecular consequence: missense variant. On other transcripts: non-coding transcript variant (23).
Genome position (GRCh38, 1-based): chr6:87,514,490, G>T on the plus strand (C>A on the coding strand, the complement: RARS2 is on the minus strand). VCF-style: chr6-87514490-G-T. GRCh37 (hg19) VCF-style: chr6-88224208-G-T.
Other names: p.His554Asn; c.1135C>A, p.His379Asn (NM_001318785.2, NM_001350506.2, NM_001350507.2 and 4 more transcripts); c.1660C>A, p.His554Asn (NM_001350505.2); short protein forms H379N, H554N.
Identifiers: ClinVar variation 4527784 (VCV004527784.2).
Genomic context (GRCh38, chr6:87,514,490, plus strand): 5'-GTGTTATTCCAAGAAGTTTCATTCCATTGGCTAGGACAGAACGGACAGCTTTGAAAAGAT[G>T]AAGTCTGGCCTACAAAATAAATCAAAGAATGATTTAAAATATTCAGTAACAGGAATGTAT-3'
Protein context (NP_064716.2, residues 544-564): SPPEVAGARL[His554Asn]LFKAVRSVLA

ClinVar aggregate classification (germline): Uncertain significance. Review status: criteria provided, multiple submitters, no conflicts (2 of 4 stars). 2 submissions from 2 submitters: Uncertain significance (2). Last evaluated 2025-09-19.

Submissions (2):

Mayo Clinic Laboratories, Mayo Clinic
Classification: Uncertain significance. Last evaluated: 2025-09-19. Review status: criteria provided, single submitter. Criteria: ACMG Guidelines, 2015. Collection method: clinical testing. Allele origin: germline. Observed: 1 variant allele.
Comment: BP4_moderate, PM2_supporting

GeneDx
Classification: Uncertain significance. Last evaluated: 2025-04-29. Review status: criteria provided, single submitter. Criteria: GeneDx Variant Classification Process June 2021. Collection method: clinical testing. Allele origin: germline. Affected: yes.
Comment: Not observed at significant frequency in large population cohorts (gnomAD); In silico analysis indicates that this missense variant does not alter protein structure/function; Has not been previously published as pathogenic or benign to our knowledge; In silico analysis is inconclusive as to whether the variant alters gene splicing. In the absence of RNA/functional studies, the actual effect of this sequence change is unknown.